The following is an entry in ClinVar:

ClinVar aggregate classification (germline): Benign (1 of 4 stars; one submission).

Submission:

CeGaT Center for Human Genetics Tuebingen
Classification: Benign. Last evaluated: 2024-10-01. Review status: criteria provided, single submitter. Criteria: CeGaT Center For Human Genetics Tuebingen Variant Classification Criteria Version 2. Collection method: clinical testing. Allele origin: germline. Affected: yes. Observed: 3 variant alleles.
Comment: KCNQ1OT1: BS1, BS2

NM_000218.3(KCNQ1):c.1514+13841_1514+13842del

Genes: KCNQ1 (potassium voltage-gated channel subfamily Q member 1; plus strand), KCNQ1OT1 (KCNQ1 opposite strand/antisense transcript 1; minus strand). Cytogenetic location: 11p15.5.
Variant type: Deletion.
Coding change: c.1514+13841_1514+13842del on transcript NM_000218.3 (MANE Select); bases 13841 to 13842 of the intron after coding-DNA position 1514, 2 bases deleted (CA; older notation c.1514+13841_1514+13842delCA).
Molecular consequence: intron variant.
Genome position (GRCh38, 1-based): chr11:2,675,922-2,675,923, CA deleted; deleting any 2 consecutive bases within chr11:2,675,921-2,675,923 gives the same sequence; the c. name uses the placement nearest the transcript's 3' end. VCF-style (leftmost placement, unchanged base first): chr11-2675920-AAC-A. GRCh37 (hg19) VCF-style: chr11-2697150-AAC-A.
Other names: c.1244+13841_1244+13842del (NM_001406837.1); c.1418+13841_1418+13842del (NM_001406836.1); c.974+13841_974+13842del (NM_001406838.1); c.1133+13841_1133+13842del (NM_181798.2).
Identifiers: ClinVar variation 1711308 (VCV001711308.30), dbSNP rs754120635, ClinGen allele CA216181413.